The following is an entry in ClinVar:

NM_007194.4(CHEK2):c.1341C>T (p.Phe447=)

Gene: CHEK2 (checkpoint kinase 2; minus strand). Cytogenetic location: 22q12.1.
Variant type: single nucleotide variant.
Coding change: c.1341C>T on transcript NM_007194.4 (MANE Select); coding-DNA position 1341, C replaced by T.
Protein change: p.Phe447=; no amino-acid change (phenylalanine 447 retained).
Molecular consequence: synonymous variant.
Genome position (GRCh38, 1-based): chr22:28,695,161, G>A on the plus strand (C>T on the coding strand, the complement: CHEK2 is on the minus strand). VCF-style: chr22-28695161-G-A. GRCh37 (hg19) VCF-style: chr22-29091149-G-A.
Other names: c.1470C>T, p.Phe490= (NM_001005735.3); c.678C>T, p.Phe226= (NM_001257387.3); c.1140C>T, p.Phe380= (NM_001349956.3); c.1254C>T, p.Phe418= (NM_145862.3).
Identifiers: ClinVar variation 3773600 (VCV003773600.1).

ClinVar aggregate classification (germline): Benign (1 of 4 stars; one submission).

Conditions:
Familial cancer of breast. Also called: Hereditary breast cancer; BREAST CANCER, FAMILIAL; hereditary breast carcinoma. Identifiers: Orphanet 227535, MedGen C0346153, MONDO:0016419, OMIM 114480. Disease mechanism: loss of function.

Submission:

Myriad Genetics, Inc.
Classification: Benign for Familial cancer of breast. Last evaluated: 2024-10-08. Review status: criteria provided, single submitter. Criteria: Myriad Autosomal Dominant, Autosomal Recessive and X-Linked Classification Criteria (2023). Collection method: clinical testing. Allele origin: unknown.
Comment: This variant is considered benign. This variant is a silent/synonymous amino acid change and it is not expected to impact splicing.